The following is an entry in ClinVar:

ClinVar aggregate classification (germline): Benign (0 of 4 stars; one submission).

Conditions:
HELQ-related disorder. Also called: HELQ-related condition.

Allele frequency attached by ClinVar (database versions not stated): gnomAD exomes 0.00257; ExAC 0.00715; ESP Exome Variant Server 0.01461; 1000 Genomes Project 0.01977; 1000 Genomes Project 30x 0.02092.
gnomAD v4.1: 5,765 of 1,614,024 alleles (0.36%); highest among the groups gnomAD compares: African/African-American, 4.1%; 108 homozygotes.

Submission:

PreventionGenetics, part of Exact Sciences
Classification: Benign for HELQ-related condition. Last evaluated: 2019-03-15. Review status: no assertion criteria provided. Collection method: clinical testing. Allele origin: germline.
Comment: This variant is classified as benign based on ACMG/AMP sequence variant interpretation guidelines (Richards et al. 2015 PMID: 25741868, with internal and published modifications).

NM_133636.5(HELQ):c.1901G>A (p.Arg634His)

Gene: HELQ (helicase, POLQ like; minus strand). Cytogenetic location: 4q21.23.
Variant type: single nucleotide variant.
Coding change: c.1901G>A on transcript NM_133636.5 (MANE Select); coding-DNA position 1901, G replaced by A.
Protein change: p.Arg634His; replaces arginine 634 with histidine.
Molecular consequence: missense variant.
Genome position (GRCh38, 1-based): chr4:83,437,005, C>T on the plus strand (G>A on the coding strand, the complement: HELQ is on the minus strand). VCF-style: chr4-83437005-C-T. GRCh37 (hg19) VCF-style: chr4-84358158-C-T.
Other names: c.1700G>A, p.Arg567His (NM_001297755.2); c.410G>A, p.Arg137His (NM_001297756.2); c.269G>A, p.Arg90His (NM_001297757.2); short protein forms R137H, R567H, R634H, R90H.
Identifiers: ClinVar variation 3041822 (VCV003041822.2), dbSNP rs75013052, ClinGen allele CA2989620.